The following is an entry in ClinVar:

ClinVar aggregate classification (germline): Likely pathogenic (1 of 4 stars; one submission).

Conditions:
Leber congenital amaurosis (LCA). Also called: Leber's amaurosis. Identifiers: Orphanet 65, MedGen C0339527, MeSH D057130, MONDO:0018998.

Submission:

Natera, Inc.
Classification: Likely pathogenic for Leber congenital amaurosis. Last evaluated: 2025-04-23. Review status: criteria provided, single submitter. Criteria: Natera Variant Classification Schema (03/2026). Collection method: clinical testing. Allele origin: germline.
Comment: The c.562_565dup variant in CEP290 is a frameshift variant predicted to shift the reading frame and introduce a stop codon. This variant is expected to result in nonsense mediated decay, truncation, or a dysfunctional protein product. This variant is rare in the general population with a frequency below the threshold expected for the associated phenotype(s). Given the available evidence, this variant is classified as Likely Pathogenic.

NM_025114.4(CEP290):c.562_565dup (p.Ser189Ter)

Gene: CEP290 (centrosomal protein 290; minus strand). Cytogenetic location: 12q21.32.
Variant type: Duplication.
Coding change: c.562_565dup on transcript NM_025114.4 (MANE Select); coding-DNA positions 562 to 565, 4 bases duplicated (GATT; older notation c.562_565dupGATT).
Protein change: p.Ser189Ter; replaces serine 189 with a stop codon.
Molecular consequence: nonsense.
Genome position (GRCh38, 1-based): chr12:88,130,372-88,130,375, AATC duplicated on the plus strand (GATT on the coding strand, the reverse complement: CEP290 is on the minus strand). VCF-style (leftmost placement, unchanged base first): chr12-88130371-G-GAATC. GRCh37 (hg19) VCF-style: chr12-88524148-G-GAATC.
Other names: short protein forms S189*.
Identifiers: ClinVar variation 4064248 (VCV004064248.2).